The following is an entry in ClinVar:

NM_015662.3(IFT172):c.2866C>T (p.Gln956Ter)

Gene: IFT172 (intraflagellar transport 172; minus strand). Cytogenetic location: 2p23.3.
Variant type: single nucleotide variant.
Coding change: c.2866C>T on transcript NM_015662.3 (MANE Select); coding-DNA position 2866, C replaced by T.
Protein change: p.Gln956Ter; replaces glutamine 956 with a stop codon.
Molecular consequence: nonsense.
Genome position (GRCh38, 1-based): chr2:27,458,790, G>A on the plus strand (C>T on the coding strand, the complement: IFT172 is on the minus strand). VCF-style: chr2-27458790-G-A. GRCh37 (hg19) VCF-style: chr2-27681657-G-A.
Other names: c.2866C>T (NM_015662.2); short protein forms Q956*.
Identifiers: ClinVar variation 1362201 (VCV001362201.8), dbSNP rs144450109, ClinGen allele CA1580166.

ClinVar aggregate classification (germline): Pathogenic. Review status: criteria provided, single submitter (1 of 4 stars). 2 submissions from 2 submitters: Pathogenic (1). 1 of the submissions does not count toward it. Last evaluated 2021-05-01.

Conditions:
Retinitis pigmentosa 71 (RP71). Identifiers: Orphanet 791, MedGen C4225342, MONDO:0014618, OMIM 616394.
Short-rib thoracic dysplasia 10 with or without polydactyly (SRTD10). Identifiers: Orphanet 474, MedGen C3810175, MONDO:0014284, OMIM 615630.
IFT172-related disorder. Also called: IFT172-related disorders; IFT172-related condition.

Allele frequency attached by ClinVar (database versions not stated): gnomAD exomes below 0.00001 and 0.00001; TOPMed below 0.00001; ExAC 0.00002; ESP Exome Variant Server 0.00008.
gnomAD v4.1: 8 of 1,614,124 alleles (0.0005%); highest among the groups gnomAD compares: Non-Finnish European, 0.00042%; no homozygotes.

Submissions (2):

Labcorp Genetics (formerly Invitae), Labcorp
Classification: Pathogenic for Retinitis pigmentosa 71; Short-rib thoracic dysplasia 10 with or without polydactyly. Last evaluated: 2021-05-01. Review status: criteria provided, single submitter. Criteria: Invitae Variant Classification Sherloc (09022015). Collection method: clinical testing. Allele origin: germline.
Comment: This sequence change creates a premature translational stop signal (p.Gln956*) in the IFT172 gene. It is expected to result in an absent or disrupted protein product. Loss-of-function variants in IFT172 are known to be pathogenic (PMID: 24140113). This variant is present in population databases (rs144450109, ExAC 0.003%). This variant has not been reported in the literature in individuals with IFT172-related conditions. For these reasons, this variant has been classified as Pathogenic.

PreventionGenetics, part of Exact Sciences
Classification: Likely pathogenic for IFT172-related condition. Last evaluated: 2024-06-30. Review status: no assertion criteria provided. Collection method: clinical testing. Allele origin: germline. Not counted in ClinVar's aggregate classification.
Comment: The IFT172 c.2866C>T variant is predicted to result in premature protein termination (p.Gln956*). To our knowledge, this variant has not been reported in the literature in patients with an IFT172-related disorder. This variant is reported in 0.0018% of alleles in individuals of European (Non-Finnish) descent in gnomAD. Nonsense variants in IFT172 are expected to be pathogenic. This variant is interpreted as likely pathogenic.

Literature cited by the submitters: PubMed 24140113 (cited by Labcorp Genetics (formerly Invitae), Labcorp).